The following is an entry in ClinVar:

NM_001111067.4(ACVR1):c.1525T>C (p.Cys509Arg)

Gene: ACVR1 (activin A receptor type 1; minus strand). Cytogenetic location: 2q24.1.
Variant type: single nucleotide variant.
Coding change: c.1525T>C on transcript NM_001111067.4 (MANE Select); coding-DNA position 1525, T replaced by C.
Protein change: p.Cys509Arg; replaces cysteine 509 with arginine.
Molecular consequence: missense variant.
Genome position (GRCh38, 1-based): chr2:157,737,536, A>G on the plus strand (T>C on the coding strand, the complement: ACVR1 is on the minus strand). VCF-style: chr2-157737536-A-G. GRCh37 (hg19) VCF-style: chr2-158594048-A-G.
Other names: c.1525T>C, p.Cys509Arg (NM_001105.5, NM_001347663.1, NM_001347664.1 and 3 more transcripts); short protein forms C509R.
Identifiers: ClinVar variation 4697009 (VCV004697009.1).

ClinVar aggregate classification (germline): Uncertain significance (1 of 4 stars; one submission).

gnomAD v4.1: 7 of 1,614,094 alleles (0.00043%); highest among the groups gnomAD compares: East Asian, 0.016%; no homozygotes.

Submission:

Labcorp Genetics (formerly Invitae), Labcorp
Classification: Uncertain significance. Last evaluated: 2025-11-24. Review status: criteria provided, single submitter. Criteria: Invitae Variant Classification Sherloc (09022015). Collection method: clinical testing. Allele origin: germline.
Comment: This sequence change replaces cysteine, which is neutral and slightly polar, with arginine, which is basic and polar, at codon 509 of the ACVR1 protein (p.Cys509Arg). This variant is present in population databases (rs747858448, gnomAD 0.05%). This variant has not been reported in the literature in individuals affected with ACVR1-related conditions. An algorithm developed to predict the effect of missense changes on protein structure and function (PolyPhen-2) suggests that this variant is likely to be disruptive. In summary, the available evidence is currently insufficient to determine the role of this variant in disease. Therefore, it has been classified as a Variant of Uncertain Significance.